The following is an entry in ClinVar:

ClinVar aggregate classification (germline): Uncertain significance (1 of 4 stars; one submission).

Conditions:
Adams-Oliver syndrome 5 (AOS5). Identifiers: Orphanet 974, MedGen C4014970, MONDO:0014459, OMIM 616028.

Submission:

Labcorp Genetics (formerly Invitae), Labcorp
Classification: Uncertain significance for Adams-Oliver syndrome 5. Last evaluated: 2026-01-13. Review status: criteria provided, single submitter. Criteria: Invitae Variant Classification Sherloc (09022015). Collection method: clinical testing. Allele origin: germline.
Comment: This sequence change replaces glycine, which is neutral and non-polar, with serine, which is neutral and polar, at codon 406 of the NOTCH1 protein (p.Gly406Ser). This variant is not present in population databases (gnomAD no frequency). This variant has not been reported in the literature in individuals affected with NOTCH1-related conditions. An algorithm developed to predict the effect of missense changes on protein structure and function (PolyPhen-2) suggests that this variant is likely to be disruptive. In summary, the available evidence is currently insufficient to determine the role of this variant in disease. Therefore, it has been classified as a Variant of Uncertain Significance.

NM_017617.5(NOTCH1):c.1216G>A (p.Gly406Ser)

Gene: NOTCH1 (notch receptor 1; minus strand). Cytogenetic location: 9q34.3.
Variant type: single nucleotide variant.
Coding change: c.1216G>A on transcript NM_017617.5 (MANE Select); coding-DNA position 1216, G replaced by A.
Protein change: p.Gly406Ser; replaces glycine 406 with serine.
Molecular consequence: missense variant.
Genome position (GRCh38, 1-based): chr9:136,518,176, C>T on the plus strand (G>A on the coding strand, the complement: NOTCH1 is on the minus strand). VCF-style: chr9-136518176-C-T. GRCh37 (hg19) VCF-style: chr9-139412628-C-T.
Other names: short protein forms G406S.
Identifiers: ClinVar variation 4798657 (VCV004798657.1).